The following is an entry in ClinVar:

NM_001253852.3(AP4B1):c.176C>G (p.Thr59Ser)

Gene: AP4B1 (adaptor related protein complex 4 subunit beta 1; minus strand). Cytogenetic location: 1p13.2.
Variant type: single nucleotide variant.
Coding change: c.176C>G on transcript NM_001253852.3 (MANE Select); coding-DNA position 176, C replaced by G.
Protein change: p.Thr59Ser; replaces threonine 59 with serine.
Molecular consequence: missense variant. On other transcripts: intron variant (2).
Genome position (GRCh38, 1-based): chr1:113,902,800, G>C on the plus strand (C>G on the coding strand, the complement: AP4B1 is on the minus strand). VCF-style: chr1-113902800-G-C. GRCh37 (hg19) VCF-style: chr1-114445422-G-C.
Other names: c.176C>G, p.Thr59Ser (NM_006594.5); c.-56-66C>G (NM_001253853.3); c.113+1805C>G (NM_001308312.2); c.176C>G (NM_001253852.2); short protein forms T59S.
Identifiers: ClinVar variation 2902565 (VCV002902565.3), dbSNP rs148787137, ClinGen allele CA1016169.

ClinVar aggregate classification (germline): Uncertain significance. Review status: criteria provided, multiple submitters, no conflicts (2 of 4 stars). 2 submissions from 2 submitters: Uncertain significance (2). Last evaluated 2023-11-10.

Conditions:
Hereditary spastic paraplegia 47. Also called: adaptor protein 4 (AP-4) deficiency syndrome; CEREBRAL PALSY, SPASTIC QUADRIPLEGIC, 5; Spastic paraplegia 47, autosomal recessive. Identifiers: Orphanet 280763, MedGen C3279738, MONDO:0013551, OMIM 614066.

Allele frequency attached by ClinVar (database versions not stated): ExAC 0.00002; TOPMed 0.00004; gnomAD 0.00005; ESP Exome Variant Server 0.00008.

Submissions (2):

Labcorp Genetics (formerly Invitae), Labcorp
Classification: Uncertain significance for Hereditary spastic paraplegia 47. Last evaluated: 2023-11-10. Review status: criteria provided, single submitter. Criteria: Invitae Variant Classification Sherloc (09022015). Collection method: clinical testing. Allele origin: germline.
Comment: This sequence change replaces threonine, which is neutral and polar, with serine, which is neutral and polar, at codon 59 of the AP4B1 protein (p.Thr59Ser). This variant is present in population databases (rs148787137, gnomAD 0.004%). This variant has not been reported in the literature in individuals affected with AP4B1-related conditions. Advanced modeling of protein sequence and biophysical properties (such as structural, functional, and spatial information, amino acid conservation, physicochemical variation, residue mobility, and thermodynamic stability) performed at Invitae indicates that this missense variant is not expected to disrupt AP4B1 protein function with a negative predictive value of 80%. In summary, the available evidence is currently insufficient to determine the role of this variant in disease. Therefore, it has been classified as a Variant of Uncertain Significance.

Victorian Clinical Genetics Services, Murdoch Childrens Research Institute
Classification: Uncertain significance for Hereditary spastic paraplegia 47. Last evaluated: 2023-07-16. Review status: criteria provided, single submitter. Criteria: ACMG Guidelines, 2015. Collection method: clinical testing. Allele origin: germline. Inheritance: Autosomal recessive inheritance. Affected: yes.
Comment: Based on the classification scheme VCGS_Germline_v1.3.4, this variant is classified as VUS-3B. Following criteria are met: 0102 - Loss of function is a known mechanism of disease in this gene and is associated with spastic paraplegia 47 (MIM#614066). (I) 0106 - This gene is associated with autosomal recessive disease. (I) 0200 - Variant is predicted to result in a missense amino acid change from threonine to serine. (I) 0251 - This variant is heterozygous. (I) 0304 - Variant is present in gnomAD (v3) <0.01 for a recessive condition (7 heterozygotes, 0 homozygotes). (SP) 0309 - Multiple alternative amino acid changes at the same position have been observed in gnomAD (v2) (highest allele count: 27 heterozygotes, 0 homozygotes). (I) 0502 - Missense variant with conflicting in silico predictions and uninformative conservation. (I) 0600 - Variant is located in the annotated adaptin N-terminal region (DECIPHER). (I) 0710 - Another missense variant comparable to the one identified in this case has inconclusive previous evidence for pathogenicity. p.(Thr59Ala) has been classified as a VUS by clinical laboratories in ClinVar, and observed in one individual with intellectual disability in the literature where it was not classified (PMID: 26350204). (I) 0807 - This variant has no previous evidence of pathogenicity. (I) 0905 - No published segregation evidence has been identified for this variant. (I) 1007 - No published functional evidence has been identified for this variant. (I) 1208 - Inheritance information for this variant is not currently available in this individual. (I) Legend: (SP) - Supporting pathogenic, (I) - Information, (SB) - Supporting benign

Literature cited by the submitters: PubMed 26350204 (cited by Victorian Clinical Genetics Services, Murdoch Childrens Research Institute).